The following is an entry in ClinVar:

ClinVar aggregate classification (germline): Likely pathogenic (1 of 4 stars; one submission).

Conditions:
Aicardi-Goutieres syndrome 5. Identifiers: Orphanet 51, MedGen C2749659, MONDO:0013059, OMIM 612952.

Submission:

Labcorp Genetics (formerly Invitae), Labcorp
Classification: Likely pathogenic for Aicardi-Goutieres syndrome 5. Last evaluated: 2023-07-17. Review status: criteria provided, single submitter. Criteria: Invitae Variant Classification Sherloc (09022015). Collection method: clinical testing. Allele origin: germline.
Comment: This sequence change affects an acceptor splice site in intron 3 of the SAMHD1 gene. It is expected to disrupt RNA splicing. Variants that disrupt the donor or acceptor splice site typically lead to a loss of protein function (PMID: 16199547), and loss-of-function variants in SAMHD1 are known to be pathogenic (PMID: 19525956, 22461318). This variant is not present in population databases (gnomAD no frequency). In summary, the currently available evidence indicates that the variant is pathogenic, but additional data are needed to prove that conclusively. Therefore, this variant has been classified as Likely Pathogenic. Algorithms developed to predict the effect of sequence changes on RNA splicing suggest that this variant may disrupt the consensus splice site. ClinVar contains an entry for this variant (Variation ID: 1479225). This variant has not been reported in the literature in individuals affected with SAMHD1-related conditions.

Literature cited by the submitters: PubMed 16199547; PubMed 19525956; PubMed 22461318.

NM_015474.4(SAMHD1):c.349-2A>T

Gene: SAMHD1 (SAM and HD domain containing deoxynucleoside triphosphate triphosphohydrolase 1; minus strand). Cytogenetic location: 20q11.23.
Variant type: single nucleotide variant.
Coding change: c.349-2A>T on transcript NM_015474.4 (MANE Select); the canonical splice acceptor site of the intron before coding-DNA position 349, A replaced by T.
Molecular consequence: splice acceptor variant.
Genome position (GRCh38, 1-based): chr20:36,935,191, T>A on the plus strand (A>T on the coding strand, the complement: SAMHD1 is on the minus strand). VCF-style: chr20-36935191-T-A. GRCh37 (hg19) VCF-style: chr20-35563594-T-A.
Other names: c.349-2A>T (NM_001363729.2, NM_001363733.2).
Identifiers: ClinVar variation 1479225 (VCV001479225.6), dbSNP rs2146137671, ClinGen allele CA408823466.